The following is an entry in ClinVar:

ClinVar aggregate classification (germline): Uncertain significance (1 of 4 stars; one submission).

Submission:

ISCA site 4
Classification: Uncertain significance. Last evaluated: 2011-08-12. Review status: criteria provided, single submitter. Criteria: Kaminsky et al. (Genet Med. 2011). Collection method: clinical testing. Allele origin: unknown. Affected: yes. Observed: 1 variant allele.
Comment: Copy number variation identified through the course of routine clinical cytogenomic testing in postnatal populations. Clinical assertions have been curated as described in Kaminsky et al. 2011.

GRCh38/hg38 21q21.2(chr21:23855254-24358650)x1

Genes: LINC01689 (long intergenic non-protein coding RNA 1689; minus strand), LOC129391237 (MPRA-validated peak4384 silencer; plus strand), LOC129391238 (MPRA-validated peak4387 silencer; plus strand). Cytogenetic location: 21q21.2.
Variant type: copy number loss.
Change: copy number 1 (one copy instead of two) of chr21:23,855,254-24,358,650 (503.4 kb, GRCh38 coordinates, 1-based), cytogenetic band 21q21.2.
Identifiers: ClinVar variation 57048 (VCV000057048.1).